The following is an entry in ClinVar:

ClinVar aggregate classification (germline): Likely benign. Review status: reviewed by expert panel (3 of 4 stars). 2 submissions from 2 submitters: Likely benign (1). 1 of the submissions does not count toward it. Last evaluated 2025-07-14.

Conditions:
Hereditary thrombocytopenia and hematologic cancer predisposition syndrome. Identifiers: Orphanet 71290, MedGen CN281654, MONDO:0011071.
Inborn genetic diseases. Identifiers: MedGen C0950123, MeSH D030342.

Submissions (2):

ClinGen Myeloid Malignancy Variant Curation Expert Panel
Classification: Likely benign for Hereditary thrombocytopenia and hematologic cancer predisposition syndrome. Last evaluated: 2025-07-14. Review status: reviewed by expert panel. Criteria: ClinGen MyeloMalig ACMG Specifications v2. Collection method: curation. Allele origin: germline. Inheritance: Autosomal dominant inheritance.
Comment: NM_001754.5(RUNX1):c.285C>T (p.Pro95=) is a synonymous variant which has a SpliceAI score ≤ 0.20 (0.01) (BP4). This variant has a SpliceAI score ≤ 0.20 (0.01) and evolutionary conservation prediction algorithms predict the site as not being conserved (PhyloP score ≤ 2.0 (1.27) (BP7). This variant is completely absent from all population databases with at least 20x coverage for RUNX1 (PM2_Supporting). In summary, this variant meets criteria to be classified as likely benign. ACMG/AMP criteria applied, as specified by the Myeloid Malignancy Variant Curation Expert Panel for RUNX1: BP4, BP7, PM2_supporting.

Ambry Genetics
Classification: Likely benign for Inborn genetic diseases. Last evaluated: 2025-02-08. Review status: criteria provided, single submitter. Criteria: Ambry Variant Classification Scheme 2023. Collection method: clinical testing. Allele origin: germline. Not counted in ClinVar's aggregate classification.

NM_001754.5(RUNX1):c.285C>T (p.Pro95=)

Gene: RUNX1 (RUNX family transcription factor 1; minus strand). Cytogenetic location: 21q22.12.
Variant type: single nucleotide variant.
Coding change: c.285C>T on transcript NM_001754.5 (MANE Select); coding-DNA position 285, C replaced by T.
Protein change: p.Pro95=; no amino-acid change (proline 95 retained).
Molecular consequence: synonymous variant.
Genome position (GRCh38, 1-based): chr21:34,886,909, G>A on the plus strand (C>T on the coding strand, the complement: RUNX1 is on the minus strand). VCF-style: chr21-34886909-G-A. GRCh37 (hg19) VCF-style: chr21-36259206-G-A.
Other names: NM_001754.5(RUNX1):c.285C>T; p.Pro95=; c.204C>T, p.Pro68= (NM_001001890.3, NM_001122607.2).
Identifiers: ClinVar variation 3791503 (VCV003791503.1).